The following is an entry in ClinVar:

NM_004998.4(MYO1E):c.3275G>A (p.Arg1092Gln)

Gene: MYO1E (myosin IE; minus strand). Cytogenetic location: 15q22.2.
Variant type: single nucleotide variant.
Coding change: c.3275G>A on transcript NM_004998.4 (MANE Select); coding-DNA position 3275, G replaced by A.
Protein change: p.Arg1092Gln; replaces arginine 1092 with glutamine.
Molecular consequence: missense variant.
Genome position (GRCh38, 1-based): chr15:59,137,432, C>T on the plus strand (G>A on the coding strand, the complement: MYO1E is on the minus strand). VCF-style: chr15-59137432-C-T. GRCh37 (hg19) VCF-style: chr15-59429631-C-T.
Other names: c.3275G>A (NM_004998.2); short protein forms R1092Q.
Identifiers: ClinVar variation 1926992 (VCV001926992.3), dbSNP rs749958731, ClinGen allele CA7588949.

ClinVar aggregate classification (germline): Uncertain significance. Review status: criteria provided, multiple submitters, no conflicts (2 of 4 stars). 2 submissions from 2 submitters: Uncertain significance (2). Last evaluated 2025-01-01.

Conditions:
Inborn genetic diseases. Identifiers: MedGen C0950123, MeSH D030342.

Allele frequency attached by ClinVar (database versions not stated): gnomAD exomes 0.00001; ExAC 0.00002; gnomAD 0.00003; TOPMed 0.00005.
gnomAD v4.1: 17 of 1,613,970 alleles (0.0011%); highest among the groups gnomAD compares: Admixed American, 0.005%; no homozygotes.

Submissions (2):

Ambry Genetics
Classification: Uncertain significance for Inborn genetic diseases. Last evaluated: 2025-01-01. Review status: criteria provided, single submitter. Criteria: Ambry Variant Classification Scheme 2023. Collection method: clinical testing. Allele origin: germline.

Labcorp Genetics (formerly Invitae), Labcorp
Classification: Uncertain significance. Last evaluated: 2022-04-02. Review status: criteria provided, single submitter. Criteria: Invitae Variant Classification Sherloc (09022015). Collection method: clinical testing. Allele origin: germline.
Comment: This sequence change replaces arginine, which is basic and polar, with glutamine, which is neutral and polar, at codon 1092 of the MYO1E protein (p.Arg1092Gln). This variant is present in population databases (rs749958731, gnomAD 0.007%). This variant has not been reported in the literature in individuals affected with MYO1E-related conditions. Algorithms developed to predict the effect of missense changes on protein structure and function are either unavailable or do not agree on the potential impact of this missense change (SIFT: "Deleterious"; PolyPhen-2: "Possibly Damaging"; Align-GVGD: "Class C0"). In summary, the available evidence is currently insufficient to determine the role of this variant in disease. Therefore, it has been classified as a Variant of Uncertain Significance.